The following is an entry in ClinVar:

ClinVar aggregate classification (germline): Uncertain significance (1 of 4 stars; one submission).

Conditions:
Primary ciliary dyskinesia 30. Also called: CILIARY DYSKINESIA, PRIMARY, 30, WITH OR WITHOUT SITUS INVERSUS. Identifiers: Orphanet 244, MedGen C4015016, MONDO:0014465, OMIM 616037.

Allele frequency attached by ClinVar (database versions not stated): TOPMed below 0.00001; gnomAD exomes 0.00001.
gnomAD v4.1: 10 of 1,612,926 alleles (0.00062%); highest among the groups gnomAD compares: Non-Finnish European, 0.00076%; no homozygotes.

Submission:

Labcorp Genetics (formerly Invitae), Labcorp
Classification: Uncertain significance for Primary ciliary dyskinesia 30. Last evaluated: 2024-10-16. Review status: criteria provided, single submitter. Criteria: Invitae Variant Classification Sherloc (09022015). Collection method: clinical testing. Allele origin: germline.
Comment: This sequence change replaces lysine, which is basic and polar, with arginine, which is basic and polar, at codon 363 of the CCDC151 protein (p.Lys363Arg). This variant is not present in population databases (gnomAD no frequency). This variant has not been reported in the literature in individuals affected with CCDC151-related conditions. ClinVar contains an entry for this variant (Variation ID: 2094742). An algorithm developed to predict the effect of missense changes on protein structure and function (PolyPhen-2) suggests that this variant is likely to be tolerated. In summary, the available evidence is currently insufficient to determine the role of this variant in disease. Therefore, it has been classified as a Variant of Uncertain Significance.

NM_145045.5(ODAD3):c.1088A>G (p.Lys363Arg)

Gene: ODAD3 (outer dynein arm docking complex subunit 3; minus strand). Cytogenetic location: 19p13.2.
Variant type: single nucleotide variant.
Coding change: c.1088A>G on transcript NM_145045.5 (MANE Select); coding-DNA position 1088, A replaced by G.
Protein change: p.Lys363Arg; replaces lysine 363 with arginine.
Molecular consequence: missense variant.
Genome position (GRCh38, 1-based): chr19:11,423,905, T>C on the plus strand (A>G on the coding strand, the complement: ODAD3 is on the minus strand). VCF-style: chr19-11423905-T-C. GRCh37 (hg19) VCF-style: chr19-11534574-T-C.
Other names: c.926A>G, p.Lys309Arg (NM_001302453.1); c.908A>G, p.Lys303Arg (NM_001302454.2); short protein forms K303R, K363R, K309R.
Identifiers: ClinVar variation 2094742 (VCV002094742.4), dbSNP rs1969200826, ClinGen allele CA404121493.